The following is an entry in ClinVar:

ClinVar aggregate classification (germline): Conflicting classifications of pathogenicity. Review status: criteria provided, conflicting classifications (1 of 4 stars). 2 submissions from 2 submitters: Uncertain significance (1); Likely benign (1). Last evaluated 2023-02-09.

Conditions:
Inborn genetic diseases. Identifiers: MedGen C0950123, MeSH D030342.

Allele frequency attached by ClinVar (database versions not stated): ExAC 0.00005; gnomAD 0.00005; TOPMed 0.00006.
gnomAD v4.1: 19 of 1,610,912 alleles (0.0012%); highest among the groups gnomAD compares: East Asian, 0.04%; no homozygotes.

Submissions (2):

GeneDx
Classification: Uncertain significance. Last evaluated: 2023-02-09. Review status: criteria provided, single submitter. Criteria: GeneDx Variant Classification Process June 2021. Collection method: clinical testing. Allele origin: germline. Affected: yes.
Comment: Has not been previously published as pathogenic or benign to our knowledge

Ambry Genetics
Classification: Likely benign for Inborn genetic diseases. Last evaluated: 2021-07-06. Review status: criteria provided, single submitter. Criteria: Ambry Variant Classification Scheme 2023. Collection method: clinical testing. Allele origin: germline.

NM_001287491.2(TET3):c.4144C>A (p.Pro1382Thr)

Gene: TET3 (tet methylcytosine dioxygenase 3; plus strand). Cytogenetic location: 2p13.1.
Variant type: single nucleotide variant.
Coding change: c.4144C>A on transcript NM_001287491.2 (MANE Select); coding-DNA position 4144, C replaced by A.
Protein change: p.Pro1382Thr; replaces proline 1382 with threonine.
Molecular consequence: missense variant.
Genome position (GRCh38, 1-based): chr2:74,100,932, C>A. VCF-style: chr2-74100932-C-A. GRCh37 (hg19) VCF-style: chr2-74328059-C-A.
Other names: c.3865C>A, p.Pro1289Thr (NM_001366022.1); c.3739C>A, p.Pro1247Thr (NM_144993.1); short protein forms P1247T, P1289T, P1382T.
Identifiers: ClinVar variation 2575713 (VCV002575713.2), dbSNP rs182086301, ClinGen allele CA1719157.